The following is an entry in ClinVar:

ClinVar aggregate classification (germline): Uncertain significance. Review status: criteria provided, multiple submitters, no conflicts (2 of 4 stars). 2 submissions from 2 submitters: Uncertain significance (2). Last evaluated 2025-10-01.

Conditions:
EGFR-related lung cancer (EGFR). Identifiers: MedGen CN130014.
Hereditary cancer-predisposing syndrome. Also called: Tumor predisposition; Hereditary neoplastic syndrome; Hereditary Cancer Syndrome; Neoplastic Syndromes, Hereditary. Identifiers: Orphanet 140162, MedGen C0027672, MeSH D009386, MONDO:0015356.

Allele frequency attached by ClinVar (database versions not stated): gnomAD exomes below 0.00001.

Submissions (2):

Ambry Genetics
Classification: Uncertain significance for Hereditary cancer-predisposing syndrome. Last evaluated: 2025-10-01. Review status: criteria provided, single submitter. Criteria: Ambry Variant Classification Scheme 2023. Collection method: clinical testing. Allele origin: germline.
Comment: The c.1499-3C>T intronic variant results from a C to T substitution 3 nucleotides upstream from coding exon 13 in the EGFR gene. This nucleotide position is well conserved in available vertebrate species. In silico splice site analysis predicts that this alteration may weaken the native splice acceptor site. Based on the available evidence, the clinical significance of this variant remains unclear.

Labcorp Genetics (formerly Invitae), Labcorp
Classification: Uncertain significance for EGFR-related lung cancer. Last evaluated: 2025-08-07. Review status: criteria provided, single submitter. Criteria: Invitae Variant Classification Sherloc (09022015). Collection method: clinical testing. Allele origin: germline.
Comment: This sequence change falls in intron 12 of the EGFR gene. It does not directly change the encoded amino acid sequence of the EGFR protein. It affects a nucleotide within the consensus splice site. This variant is not present in population databases (gnomAD no frequency). This variant has not been reported in the literature in individuals affected with EGFR-related conditions. ClinVar contains an entry for this variant (Variation ID: 936189). Variants that disrupt the consensus splice site are a relatively common cause of aberrant splicing (PMID: 17576681, 9536098). Algorithms developed to predict the effect of sequence changes on RNA splicing suggest that this variant may disrupt the consensus splice site. In summary, the available evidence is currently insufficient to determine the role of this variant in disease. Therefore, it has been classified as a Variant of Uncertain Significance.

Literature cited by the submitters: PubMed 17576681 (cited by Labcorp Genetics (formerly Invitae), Labcorp); PubMed 9536098 (cited by Labcorp Genetics (formerly Invitae), Labcorp).

NM_005228.5(EGFR):c.1499-3C>T

Gene: EGFR (epidermal growth factor receptor; plus strand). Cytogenetic location: 7p11.2.
Variant type: single nucleotide variant.
Coding change: c.1499-3C>T on transcript NM_005228.5 (MANE Select); 3 bases into the intron before coding-DNA position 1499, C replaced by T.
Molecular consequence: intron variant.
Genome position (GRCh38, 1-based): chr7:55,161,496, C>T. VCF-style: chr7-55161496-C-T. GRCh37 (hg19) VCF-style: chr7-55229189-C-T.
Other names: c.1364-3C>T (NM_001346899.2, NM_001346897.2); c.698-3C>T (NM_001346941.2); c.1499-3C>T (NM_001346898.2, NM_201284.2, NM_201282.2); c.1340-3C>T (NM_001346900.2).
Identifiers: ClinVar variation 936189 (VCV000936189.10), dbSNP rs753811427, ClinGen allele CA158918210.